The following is an entry in ClinVar:

ClinVar aggregate classification (germline): Pathogenic. Review status: reviewed by expert panel (3 of 4 stars). 10 submissions from 10 submitters: Pathogenic (1). 9 of the submissions do not count toward it. Last evaluated 2016-10-18.

Conditions:
Breast and/or ovarian cancer. Identifiers: MedGen CN221562.
Hereditary cancer-predisposing syndrome. Also called: Hereditary Cancer Syndrome; Neoplastic Syndromes, Hereditary; Hereditary neoplastic syndrome; Tumor predisposition. Identifiers: Orphanet 140162, MedGen C0027672, MeSH D009386, MONDO:0015356.
Hereditary breast ovarian cancer syndrome. Also called: Hereditary breast and ovarian cancer syndrome (HBOC); Breast and ovarian cancer; Hereditary breast and ovarian cancer syndrome; Hereditary breast and ovarian cancer; BRCA1- and BRCA2-Associated Hereditary Breast and Ovarian Cancer; Hereditary breast and/or ovarian cancer syndrome. Identifiers: Orphanet 145, MedGen C0677776, MeSH D061325, MONDO:0003582. Disease mechanism: loss of function.
Breast-ovarian cancer, familial, susceptibility to, 1 (BROVCA1). Also called: BRCA1 Hereditary Breast and Ovarian Cancer; OVARIAN CANCER, SUSCEPTIBILITY TO. Identifiers: Orphanet 145, MedGen C2676676, MONDO:0011450, OMIM 604370. Disease mechanism: loss of function.

Submissions (10):

Evidence-based Network for the Interpretation of Germline Mutant Alleles (ENIGMA)
Classification: Pathogenic for Breast-ovarian cancer, familial, susceptibility to, 1. Last evaluated: 2016-10-18. Review status: reviewed by expert panel. Criteria: ENIGMA BRCA1/2 Classification Criteria (2015). Collection method: curation. Allele origin: germline.
Comment: Variant allele predicted to encode a truncated non-functional protein.

Labcorp Genetics (formerly Invitae), Labcorp
Classification: Pathogenic for Hereditary breast ovarian cancer syndrome. Last evaluated: 2024-05-06. Review status: criteria provided, single submitter. Criteria: Invitae Variant Classification Sherloc (09022015). Collection method: clinical testing. Allele origin: germline. Not counted in ClinVar's aggregate classification.
Comment: This sequence change creates a premature translational stop signal (p.Trp321*) in the BRCA1 gene. It is expected to result in an absent or disrupted protein product. Loss-of-function variants in BRCA1 are known to be pathogenic (PMID: 20104584). This variant is not present in population databases (gnomAD no frequency). This premature translational stop signal has been observed in individual(s) with a personal and/or family history of breast and/or ovarian cancer (PMID: 29446198). ClinVar contains an entry for this variant (Variation ID: 266597). For these reasons, this variant has been classified as Pathogenic.

GeneDx
Classification: Pathogenic. Last evaluated: 2023-09-22. Review status: criteria provided, single submitter. Criteria: GeneDx Variant Classification Process June 2021. Collection method: clinical testing. Allele origin: germline. Affected: yes. Not counted in ClinVar's aggregate classification.
Comment: Nonsense variant predicted to result in protein truncation or nonsense mediated decay in a gene for which loss of function is a known mechanism of disease; Truncating variants in this gene are considered pathogenic by a well-established clinical consortium and/or database; Not observed at significant frequency in large population cohorts (gnomAD); Also known as 1082G>A; This variant is associated with the following publications: (PMID: 32295079, 20104584, 29446198, 12810666, 9333265, 22006311, 25884701, 26787237, 26976419, 33804961)

Women's Health and Genetics/Laboratory Corporation of America, LabCorp
Classification: Pathogenic for Hereditary breast ovarian cancer syndrome. Last evaluated: 2023-03-27. Review status: criteria provided, single submitter. Criteria: LabCorp Variant Classification Summary - May 2015. Collection method: clinical testing. Allele origin: germline. Not counted in ClinVar's aggregate classification.
Comment: Variant summary: BRCA1 c.963G>A (p.Trp321X) results in a premature termination codon, predicted to cause a truncation of the encoded protein or absence of the protein due to nonsense mediated decay, which are commonly known mechanisms for disease. Truncations downstream of this position have been classified as pathogenic by our laboratory. The variant was absent in 251402 control chromosomes (gnomAD). c.963G>A has been reported in the literature in individuals affected with breast and/or ovarian cancer from Hereditary Breast And Ovarian Cancer Syndrome families (e.g. Thorstenson_2003, Rebbeck_2018). These data indicate that the variant is likely to be associated with disease. This variant also results in the same amino acid change as a previously established pathogenic variant (c.962G>A, p.W321X), providing further evidence in support of pathogenicity. Five submitters, including an expert panel (ENIGMA), have provided clinical-significance assessments for this variant to ClinVar after 2014 and all classified the variant as pathogenic. Based on the evidence outlined above, the variant was classified as pathogenic.

Quest Diagnostics Nichols Institute San Juan Capistrano
Classification: Pathogenic. Last evaluated: 2022-12-29. Review status: criteria provided, single submitter. Criteria: Quest Diagnostics criteria. Collection method: clinical testing. Allele origin: unknown. Not counted in ClinVar's aggregate classification.
Comment: This nonsense variant causes the premature termination of BRCA1 protein synthesis. This variant has not been reported in large, multi-ethnic general populations. In the published literature, the variant has been reported in an individual with hereditary breast and/or ovarian cancer (HBOC) (PMID: 32295079 (2020)). Based on the available information, this variant is classified as pathogenic.

Ambry Genetics
Classification: Pathogenic for Hereditary cancer-predisposing syndrome. Last evaluated: 2022-05-26. Review status: criteria provided, single submitter. Criteria: Ambry Variant Classification Scheme 2023. Collection method: clinical testing. Allele origin: germline. Not counted in ClinVar's aggregate classification.
Comment: The p.W321* pathogenic mutation (also known as c.963G>A), located in coding exon 9 of the BRCA1 gene, results from a G to A substitution at nucleotide position 963. This changes the amino acid from a tryptophan to a stop codon within coding exon 9. This amino acid change has been reported in multiple individuals diagnosed with breast and/or ovarian cancer (Shattuck-Eidens D et al. JAMA. 1997;278(15):1242-50, Oros KK et al. Int J Cancer. 2004;112(3):411-9, Walsh T et al. Proc Natl Acad Sci U S A. 2011;108(44):18032-7; Rummel SK et al. Breast Cancer Res. Treat. 2017 Aug;164(3):593-601). A different nucleotide change was reported in two of these cases (c.962G>A/1081G>A) but the resulting amino acid change was the same. Of note, this alteration is also referred to as 1082G>A in published literature. In addition to the clinical data presented in the literature, this alteration is expected to result in loss of function by premature protein truncation or nonsense-mediated mRNA decay. As such, this alteration is interpreted as a disease-causing mutation.

Consortium of Investigators of Modifiers of BRCA1/2 (CIMBA), c/o University of Cambridge
Classification: Pathogenic for Breast-ovarian cancer, familial, susceptibility to, 1. Last evaluated: 2015-10-02. Review status: criteria provided, single submitter. Criteria: CIMBA Mutation Classification guidelines May 2016. Collection method: clinical testing. Allele origin: germline. Not counted in ClinVar's aggregate classification.

KCCC/NGS Laboratory, Kuwait Cancer Control Center
Classification: Pathogenic for Breast-ovarian cancer, familial, susceptibility to, 1. Last evaluated: 2023-05-05. Review status: no assertion criteria provided. Collection method: clinical testing. Allele origin: germline. Affected: yes. Not counted in ClinVar's aggregate classification.
Comment: A known pathogenic variant was detected in the BRCA1 gene (c.963G>A). This sequence change creates a premature translational stop signal (p.Trp321*) in the BRCA1 gene. It is expected to result in an absent or disrupted protein product. This variant is not present in population databases (ExAC no frequency). This variant has not been reported in the literature in individuals with BRCA1-related disease. ClinVar contains an entry for this variant (Variation ID: 266597) with 6 submissions, all of which describe it as pathogenic, three stars, reviewed by expert panel. A different variant (c.962G>A) giving rise to the same protein effect observed here (p.Trp321*) has been reported in individuals affected with hereditary breast and ovarian cancer (PMID: 26976419, 28503720, 22006311, 9333265, 22535016, 10644434). Loss-of-function variants in BRCA1 are known to be pathogenic (PMID: 20104584). In-silico predictions show pathogenic computational verdict based on 5 pathogenic predictions from BayesDel_addAF, DANN, EIGEN, FATHMM-MKL and MutationTaster vs no benign predictions. Therefore, this variant has been classified as Pathogenic

CZECANCA consortium
Classification: Pathogenic for Breast and/or ovarian cancer. Last evaluated: 2019-06-11. Review status: no assertion criteria provided. Collection method: clinical testing. Allele origin: germline. Affected: yes. Observed: 1 variant allele. Not counted in ClinVar's aggregate classification.

Foulkes Cancer Genetics LDI, Lady Davis Institute for Medical Research
Classification: Pathogenic for Breast and/or ovarian cancer. Review status: no assertion criteria provided. Collection method: clinical testing. Allele origin: germline. Study: The Canadian Open Genetics Repository (COGR). Not counted in ClinVar's aggregate classification.

Literature cited by the submitters: PubMed 20104584 (cited by Labcorp Genetics (formerly Invitae), Labcorp and KCCC/NGS Laboratory, Kuwait Cancer Control Center); PubMed 29446198 (cited by 3 submitters); PubMed 12810666 (cited by Women's Health and Genetics/Laboratory Corporation of America, LabCorp); PubMed 32295079 (cited by Quest Diagnostics Nichols Institute San Juan Capistrano and CZECANCA consortium).

NM_007294.4(BRCA1):c.963G>A (p.Trp321Ter)

Gene: BRCA1 (BRCA1 DNA repair associated; minus strand). Cytogenetic location: 17q21.31.
Variant type: single nucleotide variant.
Coding change: c.963G>A on transcript NM_007294.4 (MANE Select); coding-DNA position 963, G replaced by A.
Protein change: p.Trp321Ter; replaces tryptophan 321 with a stop codon.
Molecular consequence: nonsense. On other transcripts: intron variant (137).
Genome position (GRCh38, 1-based): chr17:43,094,568, C>T on the plus strand (G>A on the coding strand, the complement: BRCA1 is on the minus strand). VCF-style: chr17-43094568-C-T. GRCh37 (hg19) VCF-style: chr17-41246585-C-T.
Other names: 1082G>A; c.963G>A (NM_007300.3); c.750G>A, p.Trp250Ter (NM_001407571.1, NM_001407853.1, NM_001407894.1 and 9 more transcripts); c.963G>A, p.Trp321Ter (NM_001407581.1, NM_001407582.1, NM_001407583.1 and 30 more transcripts); c.960G>A, p.Trp320Ter (NM_001407587.1, NM_001407590.1, NM_001407591.1 and 22 more transcripts); c.954G>A, p.Trp318Ter (NM_001407646.1, NM_001407647.1); c.882G>A, p.Trp294Ter (NM_001407659.1, NM_001407660.1, NM_001407661.1 and 1 more transcripts); c.885G>A, p.Trp295Ter (NM_001407663.1, NM_001407653.1, NM_001407654.1 and 4 more transcripts); and 42 more; short protein forms W321*, W274*, W210*, W251*, W253*, W194*, W232*, W279*.
Identifiers: ClinVar variation 266597 (VCV000266597.22), dbSNP rs886040335, ClinGen allele CA10589977.